The following is an entry in ClinVar:

ClinVar aggregate classification (germline): Uncertain significance (1 of 4 stars; one submission).

Allele frequency attached by ClinVar (database versions not stated): gnomAD exomes below 0.00001.
gnomAD v4.1: 1 of 1,613,978 alleles (0.000062%); highest among the groups gnomAD compares: Admixed American, 0.0017%; no homozygotes.

Submission:

GeneDx
Classification: Uncertain significance. Last evaluated: 2022-09-26. Review status: criteria provided, single submitter. Criteria: GeneDx Variant Classification Process June 2021. Collection method: clinical testing. Allele origin: germline. Affected: yes.
Comment: Not observed at significant frequency in large population cohorts (gnomAD); In silico analysis supports that this missense variant does not alter protein structure/function; Has not been previously published as pathogenic or benign to our knowledge

NM_001170629.2(CHD8):c.6106C>T (p.Pro2036Ser)

Gene: CHD8 (chromodomain helicase DNA binding protein 8; minus strand). Cytogenetic location: 14q11.2.
Variant type: single nucleotide variant.
Coding change: c.6106C>T on transcript NM_001170629.2 (MANE Select); coding-DNA position 6106, C replaced by T.
Protein change: p.Pro2036Ser; replaces proline 2036 with serine.
Molecular consequence: missense variant.
Genome position (GRCh38, 1-based): chr14:21,393,689, G>A on the plus strand (C>T on the coding strand, the complement: CHD8 is on the minus strand). VCF-style: chr14-21393689-G-A. GRCh37 (hg19) VCF-style: chr14-21861848-G-A.
Other names: c.5269C>T, p.Pro1757Ser (NM_020920.4); short protein forms P1757S, P2036S.
Identifiers: ClinVar variation 2446310 (VCV002446310.1), dbSNP rs1192042781, ClinGen allele CA388880395.
Genomic context (GRCh38, chr14:21,393,689, plus strand): 5'-GGGAAACCAGAGGGGTAGTATCAGAGGGGGATACTCGCATCTCATAGTCTTGTGGGGTTG[G>A]TCGGCTCCTGGCCACCACCTCGTGCTCTAGCTTTAAAGTCAGACTCTCCAGACTGGGGAC-3'
Protein context (NP_001164100.1, residues 2026-2046): LEHEVVARSR[Pro2036Ser]TPQDYEMRVS